The following is an entry in ClinVar:

NM_018344.6(SLC29A3):c.970C>T (p.Pro324Ser)

Gene: SLC29A3 (solute carrier family 29 member 3; plus strand). Cytogenetic location: 10q22.1.
Variant type: single nucleotide variant.
Coding change: c.970C>T on transcript NM_018344.6 (MANE Select); coding-DNA position 970, C replaced by T.
Protein change: p.Pro324Ser; replaces proline 324 with serine.
Molecular consequence: missense variant. On other transcripts: 3 prime UTR variant (1), non-coding transcript variant (2).
Genome position (GRCh38, 1-based): chr10:71,362,150, C>T. VCF-style: chr10-71362150-C-T. GRCh37 (hg19) VCF-style: chr10-73121907-C-T.
Other names: c.*199C>T (NM_001174098.2); c.736C>T, p.Pro246Ser (NM_001363518.2); short protein forms P246S, P324S.
Identifiers: ClinVar variation 1358429 (VCV001358429.6), dbSNP rs2131851495, ClinGen allele CA377115219.

ClinVar aggregate classification (germline): Uncertain significance (1 of 4 stars; one submission).

Conditions:
H syndrome. Also called: HISTIOCYTOSIS AND LYMPHADENOPATHY WITH OR WITHOUT CUTANEOUS, CARDIAC, AND/OR ENDOCRINE FEATURES, JOINT CONTRACTURES, AND/OR DEAFNESS; HYPERPIGMENTATION, CUTANEOUS, WITH HYPERTRICHOSIS, HEPATOSPLENOMEGALY, HEART ANOMALIES, AND HYPOGONADISM WITH OR WITHOUT HEARING LOSS; PIGMENTED HYPERTRICHOSIS WITH INSULIN-DEPENDENT DIABETES MELLITUS; ROSAI-DORFMAN DISEASE, FAMILIAL; SINUS HISTIOCYTOSIS AND MASSIVE LYMPHADENOPATHY; Hyperpigmentation, Cutaneous, with Hypertrichosis, Hepatosplenomegaly, Heart Anomalies, Hearing Loss, and Hypogonadism. Identifiers: Orphanet 168569, MedGen C1864445, MONDO:0011273, OMIM 602782.

Submission:

Labcorp Genetics (formerly Invitae), Labcorp
Classification: Uncertain significance for H syndrome. Last evaluated: 2021-11-13. Review status: criteria provided, single submitter. Criteria: Invitae Variant Classification Sherloc (09022015). Collection method: clinical testing. Allele origin: germline.
Comment: Algorithms developed to predict the effect of missense changes on protein structure and function (SIFT, PolyPhen-2, Align-GVGD) all suggest that this variant is likely to be disruptive. This variant disrupts the p.Pro324 amino acid residue in SLC29A3. Other variant(s) that disrupt this residue have been determined to be pathogenic (PMID: 24172204, 29808591). This suggests that this residue is clinically significant, and that variants that disrupt this residue are likely to be disease-causing. In summary, the available evidence is currently insufficient to determine the role of this variant in disease. Therefore, it has been classified as a Variant of Uncertain Significance. This sequence change replaces proline, which is neutral and non-polar, with serine, which is neutral and polar, at codon 324 of the SLC29A3 protein (p.Pro324Ser). This variant is not present in population databases (gnomAD no frequency). This variant has not been reported in the literature in individuals affected with SLC29A3-related conditions.

Literature cited by the submitters: PubMed 24172204; PubMed 29808591.